The following is an entry in ClinVar:

ClinVar aggregate classification (germline): Pathogenic. Review status: criteria provided, multiple submitters, no conflicts (2 of 4 stars). 6 submissions from 6 submitters: Pathogenic (4). 2 of the submissions do not count toward it. Last evaluated 2024-10-09.

Conditions:
Progressive myoclonic epilepsy. Also called: Progressive myoclonus epilepsy; Myoclonic Epilepsies, Progressive; Familial progressive myoclonic epilepsy; Myoclonus epilepsy. Identifiers: Orphanet 308, Orphanet 98261, MedGen C0751778, MONDO:0020074.
Action myoclonus-renal failure syndrome. Also called: MYOCLONUS-NEPHROPATHY SYNDROME; SCARB2-Related Action Myoclonus-Renal Failure Syndrome; EPILEPSY, PROGRESSIVE MYOCLONIC, 4, WITH RENAL FAILURE; EPILEPSY, PROGRESSIVE MYOCLONIC, 4, WITHOUT RENAL FAILURE. Identifiers: Orphanet 163696, MedGen C0751779, MeSH D020191, MONDO:0009699, OMIM 254900.

Allele frequency attached by ClinVar (database versions not stated): gnomAD exomes below 0.00001; gnomAD 0.00001; TOPMed 0.00001.
gnomAD v4.1: 10 of 1,614,014 alleles (0.00062%); highest among the groups gnomAD compares: Non-Finnish European, 0.00076%; no homozygotes.

Submissions (6):

Labcorp Genetics (formerly Invitae), Labcorp
Classification: Pathogenic for Progressive myoclonic epilepsy. Last evaluated: 2024-10-09. Review status: criteria provided, single submitter. Criteria: Invitae Variant Classification Sherloc (09022015). Collection method: clinical testing. Allele origin: germline.
Comment: This sequence change creates a premature translational stop signal (p.Gln288*) in the SCARB2 gene. It is expected to result in an absent or disrupted protein product. Loss-of-function variants in SCARB2 are known to be pathogenic (PMID: 19847901). This variant is present in population databases (rs121909118, gnomAD 0.0009%). This premature translational stop signal has been observed in individual(s) with clinical features of SCARB2-related conditions (PMID: 18308289). ClinVar contains an entry for this variant (Variation ID: 7378). Algorithms developed to predict the effect of sequence changes on RNA splicing suggest that this variant may disrupt the consensus splice site. For these reasons, this variant has been classified as Pathogenic.

Women's Health and Genetics/Laboratory Corporation of America, LabCorp
Classification: Pathogenic for Action myoclonus-renal failure syndrome. Last evaluated: 2023-10-26. Review status: criteria provided, single submitter. Criteria: LabCorp Variant Classification Summary - May 2015. Collection method: clinical testing. Allele origin: germline.
Comment: Variant summary: SCARB2 c.862C>T (p.Gln288X) results in a premature termination codon, predicted to cause a truncation of the encoded protein or absence of the protein due to nonsense mediated decay, which are commonly known mechanisms for disease. Variants downstream of this position have been classified as pathogenic in ClinVar. The variant allele was found at a frequency of 4e-06 in 251182 control chromosomes (gnomAD). c.862C>T has been reported in the literature in individuals affected with features of Action Myoclonus-Renal Failure Syndrome (examples: Berkovic_2008, and Li_2023). At least one publication reports experimental evidence that this variant disrupts the normal trafficking of the SCARB2 protein (Blanz_2010). The following publications have been ascertained in the context of this evaluation (PMID: 18308289, 19933215, 35478072). Three submitters have cited clinical-significance assessments for this variant to ClinVar after 2014. All submitters classified the variant as pathogenic. Based on the evidence outlined above, the variant was classified as pathogenic.

Fulgent Genetics
Classification: Pathogenic for Action myoclonus-renal failure syndrome. Last evaluated: 2022-03-18. Review status: criteria provided, single submitter. Criteria: ACMG Guidelines, 2015. Collection method: clinical testing. Allele origin: unknown.

GeneDx
Classification: Pathogenic. Last evaluated: 2017-03-17. Review status: criteria provided, single submitter. Criteria: GeneDx Variant Classification (06012015). Collection method: clinical testing. Allele origin: germline. Affected: yes.
Comment: The Q288X nonsense variant in the SCARB2 gene has been reported previously in association with action myoclonus-renal failure syndrome and also progressive myoclonic epilepsy without renal failure (Berkovic et al., 2008; Dibbens et al., 2011). Functional analysis shows that Q288X disrupts the normal trafficking of the SCARB2 protein (Blanz et al., 2010). This pathogenic variant is predicted to cause loss of normal protein function either through protein truncation or nonsense-mediated mRNA decay. Additionally, it was not observed in approximately 6,500 individuals of European and African American ancestry in the NHLBI Exome Sequencing Project, indicating it is not a common benign variant in these populations. Therefore, Q288X is interpreted to be a pathogenic variant.

OMIM
Classification: Pathogenic for EPILEPSY, PROGRESSIVE MYOCLONIC, 4, WITH OR WITHOUT RENAL FAILURE. Last evaluated: 2011-06-01. Review status: no assertion criteria provided. Collection method: literature only. Allele origin: germline. Not counted in ClinVar's aggregate classification.

GeneReviews
No classification provided. Condition: Action myoclonus-renal failure syndrome. Review status: no classification provided. Collection method: literature only. Allele origin: germline. Affected: yes. Not counted in ClinVar's aggregate classification.

Literature cited by the submitters: PubMed 19847901 (cited by Labcorp Genetics (formerly Invitae), Labcorp); PubMed 18308289 (cited by 4 submitters); PubMed 19933215 (cited by Women's Health and Genetics/Laboratory Corporation of America, LabCorp); PubMed 35478072 (cited by Women's Health and Genetics/Laboratory Corporation of America, LabCorp); PubMed 15364701 (cited by OMIM); PubMed 21670406 (cited by OMIM and GeneReviews); PubMed 19597094 (cited by OMIM); NCBI Bookshelf NBK333437 (cited by GeneReviews).

NM_005506.4(SCARB2):c.862C>T (p.Gln288Ter)

Gene: SCARB2 (scavenger receptor class B member 2; minus strand). Cytogenetic location: 4q21.1.
Variant type: single nucleotide variant.
Coding change: c.862C>T on transcript NM_005506.4 (MANE Select); coding-DNA position 862, C replaced by T.
Protein change: p.Gln288Ter; replaces glutamine 288 with a stop codon.
Molecular consequence: nonsense.
Genome position (GRCh38, 1-based): chr4:76,174,276, G>A on the plus strand (C>T on the coding strand, the complement: SCARB2 is on the minus strand). VCF-style: chr4-76174276-G-A. GRCh37 (hg19) VCF-style: chr4-77095429-G-A.
Other names: c.433C>T, p.Gln145Ter (NM_001204255.2); short protein forms Q288*, Q145*.
Identifiers: ClinVar variation 7378 (VCV000007378.14), dbSNP rs121909118, ClinGen allele CA118740.